The following is an entry in ClinVar:

ClinVar aggregate classification (germline): Uncertain significance (1 of 4 stars; one submission).

Conditions:
Hereditary sensory and autonomic neuropathy type 6. Also called: HSAN VI; Neuropathy, hereditary sensory and autonomic, type VI. Identifiers: Orphanet 314381, MedGen C3539003, MONDO:0013839, OMIM 614653.
Epidermolysis bullosa simplex 3, localized or generalized intermediate, with BP230 deficiency (EBS3). Also called: Epidermolysis bullosa simplex due to BP230 deficiency; Epidermolysis bullosa simplex, autosomal recessive 2. Identifiers: Orphanet 412181, MedGen C3809470, MONDO:0014180, OMIM 615425.

Submission:

Labcorp Genetics (formerly Invitae), Labcorp
Classification: Uncertain significance for Epidermolysis bullosa simplex 3, localized or generalized intermediate, with BP230 deficiency; Hereditary sensory and autonomic neuropathy type 6. Last evaluated: 2022-02-23. Review status: criteria provided, single submitter. Criteria: Invitae Variant Classification Sherloc (09022015). Collection method: clinical testing. Allele origin: germline.
Comment: This sequence change replaces proline, which is neutral and non-polar, with arginine, which is basic and polar, at codon 247 of the DST protein (p.Pro247Arg). This variant is not present in population databases (gnomAD no frequency). This variant has not been reported in the literature in individuals affected with DST-related conditions. Algorithms developed to predict the effect of missense changes on protein structure and function (SIFT, PolyPhen-2, Align-GVGD) all suggest that this variant is likely to be tolerated. In summary, the available evidence is currently insufficient to determine the role of this variant in disease. Therefore, it has been classified as a Variant of Uncertain Significance.

NM_001374736.1(DST):c.2351C>G (p.Pro784Arg)

Gene: DST (dystonin; minus strand). Cytogenetic location: 6p12.1.
Variant type: single nucleotide variant.
Coding change: c.2351C>G on transcript NM_001374736.1 (MANE Select); coding-DNA position 2351, C replaced by G.
Protein change: p.Pro784Arg; replaces proline 784 with arginine.
Molecular consequence: missense variant.
Genome position (GRCh38, 1-based): chr6:56,640,282, G>C on the plus strand (C>G on the coding strand, the complement: DST is on the minus strand). VCF-style: chr6-56640282-G-C. GRCh37 (hg19) VCF-style: chr6-56505080-G-C.
Other names: c.2252C>G, p.Pro751Arg (NM_001144769.5); c.1838C>G, p.Pro613Arg (NM_001144770.2); c.2351C>G, p.Pro784Arg (NM_001374722.1); c.1718C>G, p.Pro573Arg (NM_001374729.1, NM_001374730.1, NM_001386100.1 and 1 more transcripts); c.2378C>G, p.Pro793Arg (NM_001374734.1); c.740C>G, p.Pro247Arg (NM_001723.7, NM_015548.5); short protein forms P613R, P751R, P784R, P793R, P247R, P573R.
Identifiers: ClinVar variation 1960359 (VCV001960359.2), dbSNP rs747722894, ClinGen allele CA364578522.
Genomic context (GRCh38, chr6:56,640,282, plus strand): 5'-AAAGAAGACTTTAGAAGGGGTTTTCGGATCTGCATCAACTTCAAAGTTTGCAATGAATTT[G>C]GCTCTACTCCTGAACTGAAATTTGGAACTAATCCTGATGGGAAACCAGGTGTATAAGCTG-3'
Protein context (NP_001361665.1, residues 774-794): LVPNFSSGVE[Pro784Arg]NSLQTLKLMQ